The following is an entry in ClinVar:

NM_000642.3(AGL):c.1505_1514del (p.Cys502fs)

Gene: AGL (amylo-alpha-1,6-glucosidase and 4-alpha-glucanotransferase; plus strand). Cytogenetic location: 1p21.2.
Variant type: Deletion.
Coding change: c.1505_1514del on transcript NM_000642.3 (MANE Select); coding-DNA positions 1505 to 1514, 10 bases deleted (GTCCTTATCT; older notation c.1505_1514delGTCCTTATCT).
Protein change: p.Cys502fs; shifts the reading frame from cysteine 502.
Molecular consequence: frameshift variant.
Genome position (GRCh38, 1-based): chr1:99,877,722-99,877,731, GTCCTTATCT deleted; deleting any 10 consecutive bases within chr1:99,877,720-99,877,731 gives the same sequence; the c. name uses the placement nearest the transcript's 3' end. VCF-style (leftmost placement, unchanged base first): chr1-99877719-ACTGTCCTTAT-A. GRCh37 (hg19) VCF-style: chr1-100343275-ACTGTCCTTAT-A.
Other names: c.1505_1514delGTCCTTATCT, p.Cys502Serfs (NM_000028.3, NM_000643.3, NM_000644.3 and 2 more transcripts); c.1457_1466delGTCCTTATCT, p.Cys486Serfs (NM_000646.3); c.1304_1313delGTCCTTATCT, p.Cys435Serfs (NM_001425327.1); c.1301_1310delGTCCTTATCT, p.Cys434Serfs (NM_001425328.1, NM_001425329.1); c.1127_1136delGTCCTTATCT, p.Cys376Serfs (NM_001425332.1); short protein forms C486fs, C502fs.
Identifiers: ClinVar variation 1069998 (VCV001069998.7), dbSNP rs2101136443, ClinGen allele CA2499214920.

ClinVar aggregate classification (germline): Pathogenic (1 of 4 stars; one submission).

Conditions:
Glycogen storage disease type III (GSD3). Also called: Cori disease; FORBES DISEASE. Identifiers: Orphanet 366, MedGen C0017922, MONDO:0009291, OMIM 232400.

Submission:

Labcorp Genetics (formerly Invitae), Labcorp
Classification: Pathogenic for Glycogen storage disease type III. Last evaluated: 2020-10-14. Review status: criteria provided, single submitter. Criteria: Invitae Variant Classification Sherloc (09022015). Collection method: clinical testing. Allele origin: germline.
Comment: For these reasons, this variant has been classified as Pathogenic. Loss-of-function variants in AGL are known to be pathogenic (PMID: 19299494). This variant has not been reported in the literature in individuals with AGL-related conditions. This variant is not present in population databases (ExAC no frequency). This sequence change creates a premature translational stop signal (p.Cys502Serfs*5) in the AGL gene. It is expected to result in an absent or disrupted protein product.

Literature cited by the submitters: PubMed 19299494.